The following is an entry in ClinVar:

ClinVar aggregate classification (germline): Uncertain significance (1 of 4 stars; one submission).

Conditions:
Accelerated tumor formation, susceptibility to (ACTFS). Identifiers: MedGen C3280690, OMIM 614401, MONDO:0013733.

Allele frequency attached by ClinVar (database versions not stated): gnomAD exomes below 0.00001.
gnomAD v4.1: 1 of 1,613,744 alleles (0.000062%); highest among the groups gnomAD compares: South Asian, 0.0011%; no homozygotes.

Submission:

Labcorp Genetics (formerly Invitae), Labcorp
Classification: Uncertain significance for Accelerated tumor formation, susceptibility to. Last evaluated: 2017-08-19. Review status: criteria provided, single submitter. Criteria: Invitae Variant Classification Sherloc (09022015). Collection method: clinical testing. Allele origin: germline.
Comment: In summary, the available evidence is currently insufficient to determine the role of this variant in disease. Therefore, it has been classified as a Variant of Uncertain Significance. Algorithms developed to predict the effect of missense changes on protein structure and function (SIFT, PolyPhen-2, Align-GVGD) all suggest that this variant is likely to be disruptive, but these predictions have not been confirmed by published functional studies and their clinical significance is uncertain. This variant has not been reported in the literature in individuals with MDM2-related disease. This variant is not present in population databases (ExAC no frequency). This sequence change replaces arginine with cysteine at codon 189 of the MDM2 protein (p.Arg189Cys). The arginine residue is highly conserved and there is a large physicochemical difference between arginine and cysteine.

NM_002392.6(MDM2):c.565C>T (p.Arg189Cys)

Gene: MDM2 (MDM2 proto-oncogene; plus strand). Cytogenetic location: 12q15.
Variant type: single nucleotide variant.
Coding change: c.565C>T on transcript NM_002392.6 (MANE Select); coding-DNA position 565, C replaced by T.
Protein change: p.Arg189Cys; replaces arginine 189 with cysteine.
Molecular consequence: missense variant. On other transcripts: intron variant (2).
Genome position (GRCh38, 1-based): chr12:68,828,812, C>T. VCF-style: chr12-68828812-C-T. GRCh37 (hg19) VCF-style: chr12-69222592-C-T.
Other names: c.547C>T, p.Arg183Cys (NM_001145337.3, NM_001367990.1); c.400C>T, p.Arg134Cys (NM_001145339.2); c.157-7017C>T (NM_001278462.2, NM_001145340.3); short protein forms R189C, R134C, R183C.
Identifiers: ClinVar variation 539972 (VCV000539972.8), dbSNP rs1555187172, ClinGen allele CA385706406.